The following is an entry in ClinVar:

ClinVar aggregate classification (germline): Uncertain significance. Review status: criteria provided, multiple submitters, no conflicts (2 of 4 stars). 3 submissions from 3 submitters: Uncertain significance (2). 1 of the submissions does not count toward it. Last evaluated 2024-07-09.

Conditions:
Postaxial polydactyly-anterior pituitary anomalies-facial dysmorphism syndrome. Also called: Culler-Jones syndrome. Identifiers: Orphanet 420584, MedGen C4014479, MONDO:0014369, OMIM 615849.
Holoprosencephaly 9 (HPE9). Also called: PITUITARY ANOMALIES WITH HOLOPROSENCEPHALY-LIKE FEATURES; HOLOPROSENCEPHALY WITH MICROPHTHALMIA AND FIRST BRANCHIAL ARCH ANOMALIES. Identifiers: Orphanet 2162, MedGen C1835819, MONDO:0012563, OMIM 610829.
Microcephaly. Also called: Microcephaly (disease). Identifiers: MedGen C4551563, MONDO:0001149, HP:0000252.

Allele frequency attached by ClinVar (database versions not stated): gnomAD 0.00004 and 0.00010; TOPMed 0.00005; gnomAD exomes 0.00007 and 0.00024; 1000 Genomes Project 30x 0.00016; ExAC 0.00018.
gnomAD v4.1: 316 of 1,414,830 alleles (0.022%); highest among the groups gnomAD compares: East Asian, 1%; 4 homozygotes.

Submissions (3):

Labcorp Genetics (formerly Invitae), Labcorp
Classification: Uncertain significance for Postaxial polydactyly-anterior pituitary anomalies-facial dysmorphism syndrome; Holoprosencephaly 9. Last evaluated: 2024-07-09. Review status: criteria provided, single submitter. Criteria: Invitae Variant Classification Sherloc (09022015). Collection method: clinical testing. Allele origin: germline.
Comment: This sequence change replaces arginine, which is basic and polar, with tryptophan, which is neutral and slightly polar, at codon 914 of the GLI2 protein (p.Arg914Trp). The frequency data for this variant in the population databases is considered unreliable, as metrics indicate poor data quality at this position in the gnomAD database. This variant has not been reported in the literature in individuals affected with GLI2-related conditions. ClinVar contains an entry for this variant (Variation ID: 813658). Advanced modeling of protein sequence and biophysical properties (such as structural, functional, and spatial information, amino acid conservation, physicochemical variation, residue mobility, and thermodynamic stability) performed at Invitae indicates that this missense variant is expected to disrupt GLI2 protein function with a positive predictive value of 80%. In summary, the available evidence is currently insufficient to determine the role of this variant in disease. Therefore, it has been classified as a Variant of Uncertain Significance.

Illumina Laboratory Services, Illumina
Classification: Uncertain significance for Holoprosencephaly 9. Last evaluated: 2018-01-13. Review status: criteria provided, single submitter. Criteria: ICSL Variant Classification Criteria 13 December 2019. Collection method: clinical testing. Allele origin: germline.

Department of Pediatrics, Samsung Medical Center, Samsung Medical Center
Classification: Uncertain significance for Microcephaly. Review status: no assertion criteria provided. Criteria: ACMG Guidelines, 2015. Collection method: research. Allele origin: germline. Affected: yes. Not counted in ClinVar's aggregate classification.

NM_001374353.1(GLI2):c.2689C>T (p.Arg897Trp)

Gene: GLI2 (GLI family zinc finger 2; plus strand). Cytogenetic location: 2q14.2.
Variant type: single nucleotide variant.
Coding change: c.2689C>T on transcript NM_001374353.1 (MANE Select); coding-DNA position 2689, C replaced by T.
Protein change: p.Arg897Trp; replaces arginine 897 with tryptophan.
Molecular consequence: missense variant.
Genome position (GRCh38, 1-based): chr2:120,988,654, C>T. VCF-style: chr2-120988654-C-T. GRCh37 (hg19) VCF-style: chr2-121746230-C-T.
Other names: c.2740C>T, p.Arg914Trp (NM_001371271.1, NM_005270.5); c.2314C>T, p.Arg772Trp (NM_001374354.1); short protein forms R772W, R897W, R914W.
Identifiers: ClinVar variation 813658 (VCV000813658.7), dbSNP rs763893593, ClinGen allele CA1852273.